The following is an entry in ClinVar:

ClinVar aggregate classification (germline): Uncertain significance. Review status: criteria provided, multiple submitters, no conflicts (2 of 4 stars). 3 submissions from 3 submitters: Uncertain significance (3). Last evaluated 2025-01-19.

Conditions:
Hereditary cancer-predisposing syndrome. Also called: Neoplastic Syndromes, Hereditary; Hereditary neoplastic syndrome; Tumor predisposition; Hereditary Cancer Syndrome. Identifiers: Orphanet 140162, MedGen C0027672, MeSH D009386, MONDO:0015356.
Gorlin syndrome. Also called: Basal cell nevus syndrome; Nevoid Basal Cell Carcinoma Syndrome. Identifiers: Orphanet 377, MedGen C0004779, MONDO:0007187.

Allele frequency attached by ClinVar (database versions not stated): gnomAD exomes 0.00001.
gnomAD v4.1: 4 of 1,612,950 alleles (0.00025%); highest among the groups gnomAD compares: Non-Finnish European, 0.00034%; no homozygotes.

Submissions (3):

Labcorp Genetics (formerly Invitae), Labcorp
Classification: Uncertain significance for Gorlin syndrome. Last evaluated: 2025-01-19. Review status: criteria provided, single submitter. Criteria: Invitae Variant Classification Sherloc (09022015). Collection method: clinical testing. Allele origin: germline.
Comment: This sequence change replaces methionine, which is neutral and non-polar, with valine, which is neutral and non-polar, at codon 281 of the PTCH1 protein (p.Met281Val). This variant is not present in population databases (gnomAD no frequency). This variant has not been reported in the literature in individuals affected with PTCH1-related conditions. ClinVar contains an entry for this variant (Variation ID: 1690815). Invitae Evidence Modeling of protein sequence and biophysical properties (such as structural, functional, and spatial information, amino acid conservation, physicochemical variation, residue mobility, and thermodynamic stability) has been performed for this missense variant. However, the output from this modeling did not meet the statistical confidence thresholds required to predict the impact of this variant on PTCH1 protein function. In summary, the available evidence is currently insufficient to determine the role of this variant in disease. Therefore, it has been classified as a Variant of Uncertain Significance.

Ambry Genetics
Classification: Uncertain significance for Hereditary cancer-predisposing syndrome. Last evaluated: 2024-03-24. Review status: criteria provided, single submitter. Criteria: Ambry Variant Classification Scheme 2023. Collection method: clinical testing. Allele origin: germline.
Comment: The p.M281V variant (also known as c.841A>G), located in coding exon 6 of the PTCH1 gene, results from an A to G substitution at nucleotide position 841. The methionine at codon 281 is replaced by valine, an amino acid with highly similar properties. This amino acid position is highly conserved in available vertebrate species. In addition, this alteration is predicted to be deleterious by in silico analysis. Since supporting evidence is limited at this time, the clinical significance of this alteration remains unclear.

Laboratorio de Genetica e Diagnostico Molecular, Hospital Israelita Albert Einstein
Classification: Uncertain significance. Last evaluated: 2020-02-19. Review status: criteria provided, single submitter. Criteria: ACMG Guidelines, 2015. Collection method: clinical testing. Allele origin: germline. Affected: yes.
Comment: ACMG classification criteria: PM2

NM_000264.5(PTCH1):c.841A>G (p.Met281Val)

Gene: PTCH1 (patched 1; minus strand). Cytogenetic location: 9q22.32.
Variant type: single nucleotide variant.
Coding change: c.841A>G on transcript NM_000264.5 (MANE Select); coding-DNA position 841, A replaced by G.
Protein change: p.Met281Val; replaces methionine 281 with valine.
Molecular consequence: missense variant. On other transcripts: non-coding transcript variant (1).
Genome position (GRCh38, 1-based): chr9:95,480,494, T>C on the plus strand (A>G on the coding strand, the complement: PTCH1 is on the minus strand). VCF-style: chr9-95480494-T-C. GRCh37 (hg19) VCF-style: chr9-98242776-T-C.
Other names: c.643A>G, p.Met215Val (NM_001083602.3); c.838A>G, p.Met280Val (NM_001083603.3); c.388A>G, p.Met130Val (NM_001083604.3, NM_001083605.3, NM_001083606.3 and 1 more transcripts); c.841A>G, p.Met281Val (NM_001354918.2); c.841A>G (NM_000264.3); short protein forms M130V, M215V, M280V, M281V.
Identifiers: ClinVar variation 1690815 (VCV001690815.10), dbSNP rs2118420301, ClinGen allele CA374114081.
Genomic context (GRCh38, chr9:95,480,494, plus strand): 5'-CGGCCGGATTGAGGCAGGGGCGGTCCATGTAACCATGACCAACCTCAGCCTTATTCAGCA[T>C]TTCCTCCCAGCTGTCCACTTGATAGTTTATTTTCTTTAACTCTTCCAGGAATTCCAAAGG-3'
Protein context (NP_000255.2, residues 271-291): INYQVDSWEE[Met281Val]LNKAEVGHGY